The following is an entry in ClinVar:

NM_198428.3(BBS9):c.1918A>G (p.Ile640Val)

Gene: BBS9 (Bardet-Biedl syndrome 9; plus strand). Cytogenetic location: 7p14.3.
Variant type: single nucleotide variant.
Coding change: c.1918A>G on transcript NM_198428.3 (MANE Select); coding-DNA position 1918, A replaced by G.
Protein change: p.Ile640Val; replaces isoleucine 640 with valine.
Molecular consequence: missense variant. On other transcripts: non-coding transcript variant (3).
Genome position (GRCh38, 1-based): chr7:33,383,794, A>G. VCF-style: chr7-33383794-A-G. GRCh37 (hg19) VCF-style: chr7-33423406-A-G.
Other names: c.1813A>G, p.Ile605Val (NM_001033604.2); c.1903A>G, p.Ile635Val (NM_001033605.2); c.1918A>G, p.Ile640Val (NM_001348036.1, NM_001348041.4, NM_001348043.3 and 1 more transcripts); c.1552A>G, p.Ile518Val (NM_001348037.3, NM_001348045.3, NM_001348046.3); c.1645A>G, p.Ile549Val (NM_001348038.3); c.1540A>G, p.Ile514Val (NM_001348039.3); c.1798A>G, p.Ile600Val (NM_001348040.3, NM_014451.4); c.1783A>G, p.Ile595Val (NM_001348042.3); and 1 more; short protein forms I640V, I483V, I595V, I605V, I514V, I549V, I635V, I600V.
Identifiers: ClinVar variation 286735 (VCV000286735.18), dbSNP rs144112103, ClinGen allele CA4214544.

ClinVar aggregate classification (germline): Conflicting classifications of pathogenicity. Review status: criteria provided, conflicting classifications (1 of 4 stars). 5 submissions from 5 submitters: Uncertain significance (3); Likely benign (2). Last evaluated 2026-05-13.

Conditions:
BBS9-related disorder. Also called: BBS9-related condition.
Inborn genetic diseases. Identifiers: MedGen C0950123, MeSH D030342.
Bardet-Biedl syndrome (BBS). Identifiers: Orphanet 110, MedGen C0752166, MONDO:0015229.

Allele frequency attached by ClinVar (database versions not stated): gnomAD exomes 0.00003 and 0.00010; ExAC 0.00012; gnomAD 0.00030 and 0.00034; TOPMed 0.00034; ESP Exome Variant Server 0.00038; 1000 Genomes Project 0.00040; 1000 Genomes Project 30x 0.00047.
gnomAD v4.1: 90 of 1,612,780 alleles (0.0056%); highest among the groups gnomAD compares: African/African-American, 0.091%; 1 homozygote.

Submissions (5):

PreventionGenetics, part of Exact Sciences
Classification: Uncertain significance for BBS9-related condition. Last evaluated: 2026-05-13. Review status: criteria provided, single submitter. Criteria: ACMG Guidelines, 2015. Collection method: clinical testing. Allele origin: germline.
Comment: The BBS9 c.1918A>G variant is predicted to result in the amino acid substitution p.Ile640Val. To our knowledge, this variant has not been reported in the literature. This variant is reported in 0.12% of alleles in individuals of African descent in gnomAD, including one homozygote. Although we suspect that this variant may be benign, at this time, the clinical significance of this variant is uncertain due to the absence of conclusive functional and genetic evidence.

Labcorp Genetics (formerly Invitae), Labcorp
Classification: Likely benign for Bardet-Biedl syndrome. Last evaluated: 2026-01-19. Review status: criteria provided, single submitter. Criteria: Invitae Variant Classification Sherloc (09022015). Collection method: clinical testing. Allele origin: germline.

Ambry Genetics
Classification: Uncertain significance for Inborn genetic diseases. Last evaluated: 2025-06-10. Review status: criteria provided, single submitter. Criteria: Ambry Variant Classification Scheme 2023. Collection method: clinical testing. Allele origin: germline.

Blueprint Genetics
Classification: Likely benign. Last evaluated: 2023-09-07. Review status: criteria provided, single submitter. Criteria: ACMG Guidelines, 2015. Collection method: clinical testing. Allele origin: germline.

Eurofins Ntd Llc (ga)
Classification: Uncertain significance. Last evaluated: 2016-03-30. Review status: criteria provided, single submitter. Criteria: EGL Classification Definitions 2015. Collection method: clinical testing. Allele origin: germline. Observed: 1 variant allele, 1 heterozygote.